The following is an entry in ClinVar:

NM_004990.4(MARS1):c.1428C>G (p.Pro476=)

Gene: MARS1 (methionyl-tRNA synthetase 1; plus strand). Cytogenetic location: 12q13.3.
Variant type: single nucleotide variant.
Coding change: c.1428C>G on transcript NM_004990.4 (MANE Select); coding-DNA position 1428, C replaced by G.
Protein change: p.Pro476=; no amino-acid change (proline 476 retained).
Molecular consequence: synonymous variant.
Genome position (GRCh38, 1-based): chr12:57,511,757, C>G. VCF-style: chr12-57511757-C-G. GRCh37 (hg19) VCF-style: chr12-57905540-C-G.
Identifiers: ClinVar variation 2055484 (VCV002055484.18), dbSNP rs756430531, ClinGen allele CA6650517.
Genomic context (GRCh38, chr12:57,511,757, plus strand): 5'-GCTGGAGAAGCGACTGGAGGAGTGGTTGGGGAGGACATTGCCTGGCAGTGACTGGACACC[C>G]AATGCCCAGTTTATCACCCGTTCTTGGCTTCGGGATGGCCTCAAGCCACGCTGCATAACC-3'
Protein context (NP_004981.2, residues 466-486): GRTLPGSDWT[Pro476=]NAQFITRSWL

ClinVar aggregate classification (germline): Likely benign. Review status: criteria provided, multiple submitters, no conflicts (2 of 4 stars). 2 submissions from 2 submitters: Likely benign (2). Last evaluated 2024-09-01.

Conditions:
Charcot-Marie-Tooth disease axonal type 2U. Also called: CHARCOT-MARIE-TOOTH NEUROPATHY, TYPE 2U; CHARCOT-MARIE-TOOTH DISEASE, AXONAL, AUTOSOMAL DOMINANT, TYPE 2U. Identifiers: Orphanet 397735, MedGen C4084821, MONDO:0014566, OMIM 616280.
Severe early-onset pulmonary alveolar proteinosis due to MARS deficiency. Also called: PULMONARY ALVEOLAR PROTEINOSIS, REUNION ISLAND; Interstitial lung and liver disease. Identifiers: Orphanet 440427, MedGen C4225400, MONDO:0014206, OMIM 615486.

Allele frequency attached by ClinVar (database versions not stated): TOPMed below 0.00001; ExAC 0.00001; gnomAD 0.00001.
gnomAD v4.1: 5 of 1,614,078 alleles (0.00031%); highest among the groups gnomAD compares: Non-Finnish European, 0.00042%; no homozygotes.

Submissions (2):

CeGaT Center for Human Genetics Tuebingen
Classification: Likely benign. Last evaluated: 2024-09-01. Review status: criteria provided, single submitter. Criteria: CeGaT Center For Human Genetics Tuebingen Variant Classification Criteria Version 2. Collection method: clinical testing. Allele origin: germline. Affected: yes. Observed: 1 variant allele.
Comment: MARS1: BP4, BP7

Labcorp Genetics (formerly Invitae), Labcorp
Classification: Likely benign for Charcot-Marie-Tooth disease axonal type 2U; Severe early-onset pulmonary alveolar proteinosis due to MARS deficiency. Last evaluated: 2022-06-10. Review status: criteria provided, single submitter. Criteria: Invitae Variant Classification Sherloc (09022015). Collection method: clinical testing. Allele origin: germline.